The following is an entry in ClinVar:

NM_003383.5(VLDLR):c.2252-30T>C

Gene: VLDLR (very low density lipoprotein receptor; plus strand). Cytogenetic location: 9p24.2.
Variant type: single nucleotide variant.
Coding change: c.2252-30T>C on transcript NM_003383.5 (MANE Select); 30 bases into the intron before coding-DNA position 2252, T replaced by C.
Molecular consequence: intron variant.
Genome position (GRCh38, 1-based): chr9:2,651,385, T>C. VCF-style: chr9-2651385-T-C. GRCh37 (hg19) VCF-style: chr9-2651385-T-C.
Other names: c.2252-489T>C (NM_001018056.3); c.2129-30T>C (NM_001322225.2); c.2129-489T>C (NM_001322226.2).
Identifiers: ClinVar variation 674399 (VCV000674399.2), dbSNP rs34811022, ClinGen allele CA4965118.

ClinVar aggregate classification (germline): Benign. Review status: criteria provided, multiple submitters, no conflicts (2 of 4 stars). 2 submissions from 2 submitters: Benign (2). Last evaluated 2018-06-14.

Allele frequency attached by ClinVar (database versions not stated): 1000 Genomes Project 30x 0.05418; TOPMed 0.06138; 1000 Genomes Project 0.05152; ESP Exome Variant Server 0.06228; gnomAD 0.05319.
gnomAD v4.1: 61,358 of 1,587,714 alleles (3.9%); highest among the groups gnomAD compares: African/African-American, 12%; 1,586 homozygotes.

Submissions (2):

GeneDx
Classification: Benign. Last evaluated: 2018-06-14. Review status: criteria provided, single submitter. Criteria: GeneDx Variant Classification (06012015). Collection method: clinical testing. Allele origin: germline. Affected: yes.
Comment: This variant is considered likely benign or benign based on one or more of the following criteria: it is a conservative change, it occurs at a poorly conserved position in the protein, it is predicted to be benign by multiple in silico algorithms, and/or has population frequency not consistent with disease.

Breakthrough Genomics
Classification: Benign. Review status: criteria provided, single submitter. Criteria: ACMG Guidelines, 2015. Collection method: not provided. Allele origin: germline. Inheritance: Autosomal recessive inheritance. Affected: yes.